The following is an entry in ClinVar:

ClinVar aggregate classification (germline): Benign/Likely benign. Review status: criteria provided, multiple submitters, no conflicts (2 of 4 stars). 4 submissions from 4 submitters: Benign (1); Likely benign (3). Last evaluated 2026-01-04.

Conditions:
Tuberous sclerosis 2 (TSC2). Identifiers: Orphanet 805, MedGen C1860707, MONDO:0013199, OMIM 613254.
Tuberous sclerosis syndrome (TSC). Also called: Tuberous Sclerosis Complex; Tuberous sclerosis. Identifiers: Orphanet 805, MedGen C0041341, MONDO:0001734.

Allele frequency attached by ClinVar (database versions not stated): gnomAD 0.00002 and 0.00004; gnomAD exomes 0.00004 and 0.00005; ExAC 0.00005.
gnomAD v4.1: 79 of 1,611,168 alleles (0.0049%); highest among the groups gnomAD compares: South Asian, 0.019%; 1 homozygote.

Submissions (4):

Labcorp Genetics (formerly Invitae), Labcorp
Classification: Likely benign for Tuberous sclerosis 2. Last evaluated: 2026-01-04. Review status: criteria provided, single submitter. Criteria: Invitae Variant Classification Sherloc (09022015). Collection method: clinical testing. Allele origin: germline.

Myriad Genetics, Inc.
Classification: Benign for Tuberous sclerosis 2. Last evaluated: 2024-09-09. Review status: criteria provided, single submitter. Criteria: Myriad Autosomal Dominant, Autosomal Recessive and X-Linked Classification Criteria (2023). Collection method: clinical testing. Allele origin: unknown.
Comment: This variant is considered benign. This variant is intronic and is not expected to impact mRNA splicing. This variant has been observed at a population frequency that is significantly greater than expected given the associated disease prevalence and penetrance.

All of Us Research Program, National Institutes of Health
Classification: Likely benign for Tuberous sclerosis syndrome. Last evaluated: 2024-02-05. Review status: criteria provided, single submitter. Criteria: ACMG Guidelines, 2015. Collection method: clinical testing. Allele origin: germline. Inheritance: Autosomal dominant inheritance. Observed: 4 variant alleles, 4 heterozygotes.
Comment: This study involves interpretation of variants in research participants for the purpose of population health screening. Participant phenotype was not available at the time of variant classification. Additional details can be found in publication PMID: 35346344, PMCID: PMC8962531

Blueprint Genetics
Classification: Likely benign. Last evaluated: 2023-06-13. Review status: criteria provided, single submitter. Criteria: ACMG Guidelines, 2015. Collection method: clinical testing. Allele origin: germline.

NM_000548.5(TSC2):c.482-14C>T

Gene: TSC2 (TSC complex subunit 2; plus strand). Cytogenetic location: 16p13.3.
Variant type: single nucleotide variant.
Coding change: c.482-14C>T on transcript NM_000548.5 (MANE Select); 14 bases into the intron before coding-DNA position 482, C replaced by T.
Molecular consequence: intron variant.
Genome position (GRCh38, 1-based): chr16:2,055,388, C>T. VCF-style: chr16-2055388-C-T. GRCh37 (hg19) VCF-style: chr16-2105389-C-T.
Other names: c.482-14C>T (NM_001114382.3, NM_021055.3, NM_001370405.1 and 3 more transcripts); c.371-14C>T (NM_001318827.2); c.-1-808C>T (NM_001318831.2); c.335-14C>T (NM_001318829.2); c.515-14C>T (NM_001318832.2).
Identifiers: ClinVar variation 1614650 (VCV001614650.11), dbSNP rs757054946, ClinGen allele CA052558.